The following is an entry in ClinVar:

NM_017999.5(RNF31):c.114A>T (p.Leu38=)

Gene: RNF31 (ring finger protein 31; plus strand). Cytogenetic location: 14q12.
Variant type: single nucleotide variant.
Coding change: c.114A>T on transcript NM_017999.5 (MANE Select); coding-DNA position 114, A replaced by T.
Protein change: p.Leu38=; no amino-acid change (leucine 38 retained).
Molecular consequence: synonymous variant. On other transcripts: intron variant (1).
Genome position (GRCh38, 1-based): chr14:24,147,812, A>T. VCF-style: chr14-24147812-A-T. GRCh37 (hg19) VCF-style: chr14-24617021-A-T.
Other names: c.-325-164A>T (NM_001310332.2).
Identifiers: ClinVar variation 3005521 (VCV003005521.24), dbSNP rs762854388, ClinGen allele CA7125364.

ClinVar aggregate classification (germline): Likely benign. Review status: criteria provided, multiple submitters, no conflicts (2 of 4 stars). 2 submissions from 2 submitters: Likely benign (2). Last evaluated 2024-01-01.

Allele frequency attached by ClinVar (database versions not stated): TOPMed below 0.00001; ExAC 0.00002.
gnomAD v4.1: 7 of 1,604,782 alleles (0.00044%); highest among the groups gnomAD compares: Non-Finnish European, 0.000085%; no homozygotes.

Submissions (2):

CeGaT Center for Human Genetics Tuebingen
Classification: Likely benign. Last evaluated: 2024-01-01. Review status: criteria provided, single submitter. Criteria: CeGaT Center For Human Genetics Tuebingen Variant Classification Criteria Version 2. Collection method: clinical testing. Allele origin: germline. Affected: yes. Observed: 1 variant allele.
Comment: RNF31: BP4, BP7

Labcorp Genetics (formerly Invitae), Labcorp
Classification: Likely benign. Last evaluated: 2023-07-19. Review status: criteria provided, single submitter. Criteria: Invitae Variant Classification Sherloc (09022015). Collection method: clinical testing. Allele origin: germline.